The following is an entry in ClinVar:

NC_012920.1(MT-TS1):m.7498G>A

Gene: MT-TS1 (mitochondrially encoded tRNA serine 1 (UCN); minus strand).
Variant type: single nucleotide variant.
Genome position: chrM-7498-G-A.
Identifiers: ClinVar variation 42230 (VCV000042230.5), dbSNP rs111033324, ClinGen allele CA131015.
Genomic context (GRCh38, chrMT:7,498, plus strand): 5'-AATCTAGACAAAAAAGGAAGGAATCGAACCCCCCAAAGCTGGTTTCAAGCCAACCCCATG[G>A]CCTCCATGACTTTTTCAAAAAGGTATTAGAAAAACCATTTCATAACTTTGTCAAAGTTAA-3'

ClinVar aggregate classification (germline): Benign. Review status: criteria provided, multiple submitters, no conflicts (2 of 4 stars). 2 submissions from 2 submitters: Benign (2). Last evaluated 2019-07-12.

Conditions:
MELAS syndrome (MELAS). Also called: Juvenile myopathy, encephalopathy, lactic acidosis, stroke. Identifiers: Orphanet 550, MedGen C0162671, MONDO:0010789, OMIM 540000.

Submissions (2):

Wong Mito Lab, Molecular and Human Genetics, Baylor College of Medicine
Classification: Benign for MELAS syndrome. Last evaluated: 2019-07-12. Review status: criteria provided, single submitter. Criteria: Modified ACMG Guidelines (Unpublished). Collection method: clinical testing. Allele origin: germline.
Comment: The NC_012920.1:m.7498G>A variant in MT-TS1 gene is interpreted to be a Benign variant based on the modified ACMG guidelines (unpublished). This variant meets the following evidence codes reported in the guidelines: BS1, BS2, BP4

Laboratory for Molecular Medicine, Mass General Brigham Personalized Medicine
Classification: Benign. Last evaluated: 2017-07-13. Review status: criteria provided, single submitter. Criteria: LMM Criteria. Collection method: clinical testing. Allele origin: germline. Observed: 8 variant alleles.
Comment: m.7498G>A in MTTS1: This variant is not expected to have clinical significance b ecause it has been found at high frequency in the general population, including 8.8% (40/456) of the African L1c haplogroup and 34.6% (9/26) of the Asian C5b ha plogroup.

Literature cited by the submitters: PubMed 31965079 (cited by Wong Mito Lab, Molecular and Human Genetics, Baylor College of Medicine); PubMed 21041797 (cited by Laboratory for Molecular Medicine, Mass General Brigham Personalized Medicine); PubMed 22130972 (cited by Laboratory for Molecular Medicine, Mass General Brigham Personalized Medicine); PubMed 20812880 (cited by Laboratory for Molecular Medicine, Mass General Brigham Personalized Medicine).